The following is an entry in ClinVar:

NM_001363711.2(DUOX2):c.1234G>A (p.Asp412Asn)

Gene: DUOX2 (dual oxidase 2; minus strand). Cytogenetic location: 15q21.1.
Variant type: single nucleotide variant.
Coding change: c.1234G>A on transcript NM_001363711.2 (MANE Select); coding-DNA position 1234, G replaced by A.
Protein change: p.Asp412Asn; replaces aspartic acid 412 with asparagine.
Molecular consequence: missense variant.
Genome position (GRCh38, 1-based): chr15:45,109,524, C>T on the plus strand (G>A on the coding strand, the complement: DUOX2 is on the minus strand). VCF-style: chr15-45109524-C-T. GRCh37 (hg19) VCF-style: chr15-45401722-C-T.
Other names: c.1234G>A (NM_014080.4); c.1234G>A, p.Asp412Asn (NM_014080.5); short protein forms D412N.
Identifiers: ClinVar variation 1371697 (VCV001371697.10), dbSNP rs199933270, ClinGen allele CA7538694.

ClinVar aggregate classification (germline): Uncertain significance. Review status: criteria provided, multiple submitters, no conflicts (2 of 4 stars). 2 submissions from 2 submitters: Uncertain significance (2). Last evaluated 2025-10-21.

Allele frequency attached by ClinVar (database versions not stated): gnomAD 0.00008; 1000 Genomes Project 30x 0.00016; 1000 Genomes Project 0.00020.
gnomAD v4.1: 99 of 1,613,796 alleles (0.0061%); highest among the groups gnomAD compares: Non-Finnish European, 0.0075%; no homozygotes.

Submissions (2):

Labcorp Genetics (formerly Invitae), Labcorp
Classification: Uncertain significance. Last evaluated: 2025-10-21. Review status: criteria provided, single submitter. Criteria: Invitae Variant Classification Sherloc (09022015). Collection method: clinical testing. Allele origin: germline.
Comment: This sequence change replaces aspartic acid, which is acidic and polar, with asparagine, which is neutral and polar, at codon 412 of the DUOX2 protein (p.Asp412Asn). This variant also falls at the last nucleotide of exon 11, which is part of the consensus splice site for this exon. This variant is present in population databases (rs199933270, gnomAD 0.008%). This missense change has been observed in individual(s) with inflammatory bowel disease (PMID: 33651715). ClinVar contains an entry for this variant (Variation ID: 1371697). An algorithm developed to predict the effect of missense changes on protein structure and function (PolyPhen-2) suggests that this variant is likely to be tolerated. Variants that disrupt the consensus splice site are a relatively common cause of aberrant splicing (PMID: 17576681, 9536098). Algorithms developed to predict the effect of sequence changes on RNA splicing suggest that this variant may disrupt the consensus splice site. In summary, the available evidence is currently insufficient to determine the role of this variant in disease. Therefore, it has been classified as a Variant of Uncertain Significance.

GeneDx
Classification: Uncertain significance. Last evaluated: 2022-09-07. Review status: criteria provided, single submitter. Criteria: GeneDx Variant Classification Process June 2021. Collection method: clinical testing. Allele origin: germline. Affected: yes.
Comment: Alters the last nucleotide of the exon and is predicted to destroy the splice donor site and result in aberrant splicing, although in the absence of functional evidence the actual effect of this sequence change is unknown; Has not been previously published as pathogenic or benign to our knowledge

Literature cited by the submitters: PubMed 33651715 (cited by Labcorp Genetics (formerly Invitae), Labcorp); PubMed 17576681 (cited by Labcorp Genetics (formerly Invitae), Labcorp); PubMed 9536098 (cited by Labcorp Genetics (formerly Invitae), Labcorp).